The following is an entry in ClinVar:

ClinVar aggregate classification (germline): Uncertain significance. Review status: criteria provided, multiple submitters, no conflicts (2 of 4 stars). 2 submissions from 2 submitters: Uncertain significance (2). Last evaluated 2022-08-23.

Conditions:
Hereditary cancer-predisposing syndrome. Also called: Hereditary Cancer Syndrome; Neoplastic Syndromes, Hereditary; Tumor predisposition; Hereditary neoplastic syndrome. Identifiers: Orphanet 140162, MedGen C0027672, MeSH D009386, MONDO:0015356.
Carney-Stratakis syndrome. Also called: PARAGANGLIOMA AND GASTROINTESTINAL STROMAL TUMOR. Identifiers: Orphanet 97286, MedGen C1847319, MONDO:0011740, OMIM 606864.
Paragangliomas with sensorineural hearing loss. Identifiers: MedGen C1868633.
Cowden syndrome 3 (CWS3). Identifiers: Orphanet 201, MedGen CN166604, MONDO:0014045.
Pheochromocytoma. Also called: MAX-Related Hereditary Paraganglioma-Pheochromocytoma Syndrome. Identifiers: Orphanet 29072, MedGen C0031511, MONDO:0008233, OMIM 171300, HP:0002666.

Submissions (2):

Ambry Genetics
Classification: Uncertain significance for Hereditary cancer-predisposing syndrome. Last evaluated: 2022-08-23. Review status: criteria provided, single submitter. Criteria: Ambry Variant Classification Scheme 2023. Collection method: clinical testing. Allele origin: germline.
Comment: The p.P53A variant (also known as c.157C>G), located in coding exon 2 of the SDHD gene, results from a C to G substitution at nucleotide position 157. The proline at codon 53 is replaced by alanine, an amino acid with highly similar properties. This amino acid position is conserved. In addition, this alteration is predicted to be deleterious by in silico analysis. Since supporting evidence is limited at this time, the clinical significance of this alteration remains unclear.

Labcorp Genetics (formerly Invitae), Labcorp
Classification: Uncertain significance for Carney-Stratakis syndrome; Paragangliomas with sensorineural hearing loss; Pheochromocytoma; Cowden syndrome 3. Last evaluated: 2020-02-24. Review status: criteria provided, single submitter. Criteria: Invitae Variant Classification Sherloc (09022015). Collection method: clinical testing. Allele origin: germline.
Comment: In summary, the available evidence is currently insufficient to determine the role of this variant in disease. Therefore, it has been classified as a Variant of Uncertain Significance. Algorithms developed to predict the effect of missense changes on protein structure and function output the following: SIFT: "Tolerated"; PolyPhen-2: "Benign"; Align-GVGD: "Class C0". The alanine amino acid residue is found in multiple mammalian species, suggesting that this missense change does not adversely affect protein function. These predictions have not been confirmed by published functional studies and their clinical significance is uncertain. This variant has not been reported in the literature in individuals with SDHD-related conditions. This variant is not present in population databases (ExAC no frequency). This sequence change replaces proline with alanine at codon 53 of the SDHD protein (p.Pro53Ala). The proline residue is highly conserved and there is a small physicochemical difference between proline and alanine.

NM_003002.4(SDHD):c.157C>G (p.Pro53Ala)

Gene: SDHD (succinate dehydrogenase complex subunit D; plus strand). Cytogenetic location: 11q23.1.
Variant type: single nucleotide variant.
Coding change: c.157C>G on transcript NM_003002.4 (MANE Select); coding-DNA position 157, C replaced by G.
Protein change: p.Pro53Ala; replaces proline 53 with alanine.
Molecular consequence: missense variant. On other transcripts: non-coding transcript variant (1), intron variant (1).
Genome position (GRCh38, 1-based): chr11:112,087,961, C>G. VCF-style: chr11-112087961-C-G. GRCh37 (hg19) VCF-style: chr11-111958685-C-G.
Other names: c.157C>G, p.Pro53Ala (NM_001276503.2, NM_001276506.2); c.53-906C>G (NM_001276504.2); short protein forms P53A.
Identifiers: ClinVar variation 1023561 (VCV001023561.50), dbSNP rs1865656629, ClinGen allele CA382617107.
Genomic context (GRCh38, chr11:112,087,961, plus strand): 5'-GCATTTCTTCAGGACCGACCTATCCCAGAATGGTGTGGAGTGCAGCACATACACTTGTCA[C>G]CGAGCCACCATTGTATGTTCTCTCCATCGCTGCTGCTTTCTGGGCTCTAGCCATCTTTAC-3'
Protein context (NP_002993.1, residues 43-63): WCGVQHIHLS[Pro53Ala]SHHSGSKAAS